The following is an entry in ClinVar:

ClinVar aggregate classification (germline): Uncertain significance (1 of 4 stars; one submission).

Submission:

GeneDx
Classification: Uncertain significance. Last evaluated: 2025-07-04. Review status: criteria provided, single submitter. Criteria: GeneDx Variant Classification Process June 2021. Collection method: clinical testing. Allele origin: germline. Affected: yes.
Comment: Not observed at significant frequency in large population cohorts (gnomAD); In silico analysis suggests that this missense variant does not alter protein structure/function; Has not been previously published as pathogenic or benign to our knowledge

NM_000287.4(PEX6):c.623G>C (p.Ser208Thr)

Gene: PEX6 (peroxisomal biogenesis factor 6; minus strand). Cytogenetic location: 6p21.1.
Variant type: single nucleotide variant.
Coding change: c.623G>C on transcript NM_000287.4 (MANE Select); coding-DNA position 623, G replaced by C.
Protein change: p.Ser208Thr; replaces serine 208 with threonine.
Molecular consequence: missense variant. On other transcripts: non-coding transcript variant (1), intron variant (1).
Genome position (GRCh38, 1-based): chr6:42,978,528, C>G on the plus strand (G>C on the coding strand, the complement: PEX6 is on the minus strand). VCF-style: chr6-42978528-C-G. GRCh37 (hg19) VCF-style: chr6-42946266-C-G.
Other names: c.618+5G>C (NM_001316313.2); short protein forms S208T.
Identifiers: ClinVar variation 4685374 (VCV004685374.1).